The following is an entry in ClinVar:

NM_000489.6(ATRX):c.782A>T (p.Asn261Ile)

Gene: ATRX (ATRX chromatin remodeler; minus strand). Cytogenetic location: Xq21.1.
Variant type: single nucleotide variant.
Coding change: c.782A>T on transcript NM_000489.6 (MANE Select); coding-DNA position 782, A replaced by T.
Protein change: p.Asn261Ile; replaces asparagine 261 with isoleucine.
Molecular consequence: missense variant.
Genome position (GRCh38, 1-based): chrX:77,684,474, T>A on the plus strand (A>T on the coding strand, the complement: ATRX is on the minus strand). VCF-style: chrX-77684474-T-A. GRCh37 (hg19) VCF-style: chrX-76939966-T-A.
Other names: c.668A>T, p.Asn223Ile (NM_138270.5); short protein forms N223I, N261I.
Identifiers: ClinVar variation 3897328 (VCV003897328.2).

ClinVar aggregate classification (germline): Uncertain significance (1 of 4 stars; one submission).

Submission:

GeneDx
Classification: Uncertain significance. Last evaluated: 2026-05-22. Review status: criteria provided, single submitter. Criteria: GeneDx Variant Classification Process June 2021. Collection method: clinical testing. Allele origin: germline.
Comment: Not observed at significant frequency in large population cohorts (gnomAD); In silico analysis supports that this missense variant has a deleterious effect on protein structure/function; Has not been previously published as pathogenic or benign to our knowledge; This variant is associated with the following publications: (PMID: 18409179)